The following is an entry in ClinVar:

ClinVar aggregate classification (germline): Uncertain significance. Review status: criteria provided, multiple submitters, no conflicts (2 of 4 stars). 3 submissions from 3 submitters: Uncertain significance (3). Last evaluated 2024-12-27.

Conditions:
Acrocallosal syndrome (ACLS). Also called: HALLUX DUPLICATION, POSTAXIAL POLYDACTYLY, AND ABSENCE OF CORPUS CALLOSUM; Schinzel syndrome 1; Absence of corpus callosum with unusual facial appearance, mental deficiency, duplication of the halluces and polydactyly. Identifiers: Orphanet 36, MedGen C0796147, MONDO:0008708, OMIM 200990.
Multiple epiphyseal dysplasia, Al-Gazali type. Also called: Macrocephaly with multiple epiphyseal dysplasia and distinctive facies. Identifiers: Orphanet 166024, MedGen C1846722, MONDO:0011778, OMIM 607131.
Hydrolethalus syndrome 2 (HLS2). Identifiers: Orphanet 2189, MedGen C3279899, MONDO:0013585, OMIM 614120.

Allele frequency attached by ClinVar (database versions not stated): ExAC 0.00002; gnomAD exomes 0.00002; gnomAD 0.00005 and 0.00006; TOPMed 0.00008; 1000 Genomes Project 30x 0.00016; 1000 Genomes Project 0.00020.
gnomAD v4.1: 20 of 1,614,062 alleles (0.0012%); highest among the groups gnomAD compares: African/African-American, 0.021%; no homozygotes.

Submissions (3):

GeneDx
Classification: Uncertain significance. Last evaluated: 2024-12-27. Review status: criteria provided, single submitter. Criteria: GeneDx Variant Classification Process June 2021. Collection method: clinical testing. Allele origin: germline. Affected: yes.
Comment: In silico analysis indicates that this missense variant does not alter protein structure/function; Has not been previously published as pathogenic or benign to our knowledge

Fulgent Genetics
Classification: Uncertain significance for Acrocallosal syndrome; Multiple epiphyseal dysplasia, Al-Gazali type; Hydrolethalus syndrome 2. Last evaluated: 2024-04-08. Review status: criteria provided, single submitter. Criteria: ACMG Guidelines, 2015. Collection method: clinical testing. Allele origin: germline.

Labcorp Genetics (formerly Invitae), Labcorp
Classification: Uncertain significance for Acrocallosal syndrome. Last evaluated: 2023-05-22. Review status: criteria provided, single submitter. Criteria: Invitae Variant Classification Sherloc (09022015). Collection method: clinical testing. Allele origin: germline.
Comment: In summary, the available evidence is currently insufficient to determine the role of this variant in disease. Therefore, it has been classified as a Variant of Uncertain Significance. Advanced modeling of protein sequence and biophysical properties (such as structural, functional, and spatial information, amino acid conservation, physicochemical variation, residue mobility, and thermodynamic stability) performed at Invitae indicates that this missense variant is not expected to disrupt KIF7 protein function. ClinVar contains an entry for this variant (Variation ID: 1478527). This variant has not been reported in the literature in individuals affected with KIF7-related conditions. This variant is present in population databases (rs569225496, gnomAD 0.02%). This sequence change replaces glycine, which is neutral and non-polar, with arginine, which is basic and polar, at codon 570 of the KIF7 protein (p.Gly570Arg).

NM_198525.3(KIF7):c.1708G>C (p.Gly570Arg)

Gene: KIF7 (kinesin family member 7; minus strand). Cytogenetic location: 15q26.1.
Variant type: single nucleotide variant.
Coding change: c.1708G>C on transcript NM_198525.3 (MANE Select); coding-DNA position 1708, G replaced by C.
Protein change: p.Gly570Arg; replaces glycine 570 with arginine.
Molecular consequence: missense variant.
Genome position (GRCh38, 1-based): chr15:89,646,910, C>G on the plus strand (G>C on the coding strand, the complement: KIF7 is on the minus strand). VCF-style: chr15-89646910-C-G. GRCh37 (hg19) VCF-style: chr15-90190141-C-G.
Other names: c.1708G>C (NM_198525.2); short protein forms G570R.
Identifiers: ClinVar variation 1478527 (VCV001478527.8), dbSNP rs569225496, ClinGen allele CA7728480.